The following is an entry in ClinVar:

ClinVar aggregate classification (germline): Conflicting classifications of pathogenicity. Review status: criteria provided, conflicting classifications (1 of 4 stars). 3 submissions from 3 submitters: Uncertain significance (2); Likely benign (1). Last evaluated 2025-12-10.

Conditions:
Focal segmental glomerulosclerosis 5 (FSGS5). Identifiers: Orphanet 656, MedGen C2750475, MONDO:0013191, OMIM 613237.
Charcot-Marie-Tooth disease dominant intermediate E. Also called: CHARCOT-MARIE-TOOTH NEUROPATHY WITH FOCAL SEGMENTAL GLOMERULONEPHRITIS. Identifiers: Orphanet 93114, MedGen C4302667, MONDO:0013758, OMIM 614455.
Inborn genetic diseases. Identifiers: MedGen C0950123, MeSH D030342.

Allele frequency attached by ClinVar (database versions not stated): gnomAD 0.00001; gnomAD exomes 0.00001 and 0.00002; TOPMed 0.00002; ExAC 0.00005.
gnomAD v4.1: 14 of 1,550,674 alleles (0.0009%); highest among the groups gnomAD compares: Admixed American, 0.0036%; no homozygotes.

Submissions (3):

Labcorp Genetics (formerly Invitae), Labcorp
Classification: Likely benign for Charcot-Marie-Tooth disease dominant intermediate E; Focal segmental glomerulosclerosis 5. Last evaluated: 2025-12-10. Review status: criteria provided, single submitter. Criteria: Invitae Variant Classification Sherloc (09022015). Collection method: clinical testing. Allele origin: germline.

Fulgent Genetics
Classification: Uncertain significance for Focal segmental glomerulosclerosis 5; Charcot-Marie-Tooth disease dominant intermediate E. Last evaluated: 2023-12-28. Review status: criteria provided, single submitter. Criteria: ACMG Guidelines, 2015. Collection method: clinical testing. Allele origin: germline.

Ambry Genetics
Classification: Uncertain significance for Inborn genetic diseases. Last evaluated: 2020-02-19. Review status: criteria provided, single submitter. Criteria: Ambry Variant Classification Scheme 2023. Collection method: clinical testing. Allele origin: germline.
Comment: The p.G1021R variant (also known as c.3061G>A), located in coding exon 20 of the INF2 gene, results from a G to A substitution at nucleotide position 3061. The glycine at codon 1021 is replaced by arginine, an amino acid with dissimilar properties. This amino acid position is poorly conserved in available vertebrate species. In addition, this alteration is predicted to be tolerated by in silico analysis. Since supporting evidence is limited at this time, the clinical significance of this alteration remains unclear.

NM_022489.4(INF2):c.3061G>A (p.Gly1021Arg)

Gene: INF2 (inverted formin 2; plus strand). Cytogenetic location: 14q32.33.
Variant type: single nucleotide variant.
Coding change: c.3061G>A on transcript NM_022489.4 (MANE Select); coding-DNA position 3061, G replaced by A.
Protein change: p.Gly1021Arg; replaces glycine 1021 with arginine.
Molecular consequence: missense variant.
Genome position (GRCh38, 1-based): chr14:104,714,223, G>A. VCF-style: chr14-104714223-G-A. GRCh37 (hg19) VCF-style: chr14-105180560-G-A.
Other names: c.3061G>A, p.Gly1021Arg (NM_001031714.4); short protein forms G1021R.
Identifiers: ClinVar variation 1517056 (VCV001517056.9), dbSNP rs762689516, ClinGen allele CA7373170.
Genomic context (GRCh38, chr14:104,714,223, plus strand): 5'-GCAGGGTGCCTGCCCTTCACTGGTGTGTCCCTCCATCCAGTGGCCACCAGTAACCCTGCA[G>A]GAGATCCCGTGGGCAGCACGCGCTGTCCCGCCTCTGAGCCCGGCCTTGATGCTACAACAG-3'
Protein context (NP_071934.3, residues 1011-1031): TEPVATSNPA[Gly1021Arg]DPVGSTRCPA